The following is an entry in ClinVar:

ClinVar aggregate classification (germline): Uncertain significance (1 of 4 stars; one submission).

Allele frequency attached by ClinVar (database versions not stated): gnomAD exomes below 0.00001.
gnomAD v4.1: 1 of 1,612,102 alleles (0.000062%); highest among the groups gnomAD compares: Admixed American, 0.0017%; no homozygotes.

Submission:

Labcorp Genetics (formerly Invitae), Labcorp
Classification: Uncertain significance. Last evaluated: 2022-08-15. Review status: criteria provided, single submitter. Criteria: Invitae Variant Classification Sherloc (09022015). Collection method: clinical testing. Allele origin: germline.
Comment: In summary, the available evidence is currently insufficient to determine the role of this variant in disease. Therefore, it has been classified as a Variant of Uncertain Significance. Algorithms developed to predict the effect of missense changes on protein structure and function are either unavailable or do not agree on the potential impact of this missense change (SIFT: "Not Available"; PolyPhen-2: "Benign"; Align-GVGD: "Not Available"). ClinVar contains an entry for this variant (Variation ID: 1425550). This variant has not been reported in the literature in individuals affected with COL4A2-related conditions. This variant is not present in population databases (gnomAD no frequency). This sequence change replaces proline with leucine at codon 592 of the COL4A2 protein (p.Pro592Leu). The proline residue is moderately conserved and there is a moderate physicochemical difference between proline and leucine.

NM_001846.4(COL4A2):c.1775C>T (p.Pro592Leu)

Genes: COL4A2 (collagen type IV alpha 2 chain; plus strand), COL4A2-AS2 (COL4A2 antisense RNA 2; minus strand). Cytogenetic location: 13q34.
Variant type: single nucleotide variant.
Coding change: c.1775C>T on transcript NM_001846.4 (MANE Select); coding-DNA position 1775, C replaced by T.
Protein change: p.Pro592Leu; replaces proline 592 with leucine.
Molecular consequence: missense variant.
Genome position (GRCh38, 1-based): chr13:110,462,383, C>T. VCF-style: chr13-110462383-C-T. GRCh37 (hg19) VCF-style: chr13-111114730-C-T.
Other names: short protein forms P592L.
Identifiers: ClinVar variation 1425550 (VCV001425550.6), dbSNP rs2139499327, ClinGen allele CA388739018.
Genomic context (GRCh38, chr13:110,462,383, plus strand): 5'-GTGACGATGGCAGCCCAGGCCGCGATGGGCTCGATGGATTCCCCGGCCTCCCAGGCCCTC[C>T]CGTGAGTAGCCACAAACTGCGGCAGCTCCGTCCTCTCTTCTTCATCCTTCAGGTTCTCCA-3'
Protein context (NP_001837.2, residues 582-602): LDGFPGLPGP[Pro592Leu]GDGIKGPPGD